The following is an entry in ClinVar:

ClinVar aggregate classification (germline): Uncertain significance. Review status: criteria provided, single submitter (1 of 4 stars). 2 submissions from 2 submitters: Uncertain significance (1). 1 of the submissions does not count toward it. Last evaluated 2024-10-25.

Conditions:
Neuronal ceroid lipofuscinosis 2. Also called: TPP1-Related Neuronal Ceroid-Lipofuscinosis; JANSKY-BIELSCHOWSKY DISEASE NEURONAL CEROID LIPOFUSCINOSIS, LATE INFANTILE. Identifiers: Orphanet 168491, Orphanet 228349, Orphanet 79264, MedGen C1876161, MONDO:0008769, OMIM 204500.

Allele frequency attached by ClinVar (database versions not stated): TOPMed 0.00005.

Submissions (2):

Labcorp Genetics (formerly Invitae), Labcorp
Classification: Uncertain significance. Last evaluated: 2024-10-25. Review status: criteria provided, single submitter. Criteria: Invitae Variant Classification Sherloc (09022015). Collection method: clinical testing. Allele origin: germline.
Comment: This sequence change replaces proline, which is neutral and non-polar, with arginine, which is basic and polar, at codon 499 of the TPP1 protein (p.Pro499Arg). This variant is present in population databases (rs773707856, gnomAD 0.02%). This variant has not been reported in the literature in individuals affected with TPP1-related conditions. ClinVar contains an entry for this variant (Variation ID: 457943). Invitae Evidence Modeling of protein sequence and biophysical properties (such as structural, functional, and spatial information, amino acid conservation, physicochemical variation, residue mobility, and thermodynamic stability) has been performed for this missense variant. However, the output from this modeling did not meet the statistical confidence thresholds required to predict the impact of this variant on TPP1 protein function. In summary, the available evidence is currently insufficient to determine the role of this variant in disease. Therefore, it has been classified as a Variant of Uncertain Significance.

Natera, Inc.
Classification: Uncertain significance for Neuronal ceroid lipofuscinosis 2. Last evaluated: 2019-11-11. Review status: no assertion criteria provided. Collection method: clinical testing. Allele origin: germline. Not counted in ClinVar's aggregate classification.

NM_000391.4(TPP1):c.1496C>G (p.Pro499Arg)

Gene: TPP1 (tripeptidyl peptidase 1; minus strand). Cytogenetic location: 11p15.4.
Variant type: single nucleotide variant.
Coding change: c.1496C>G on transcript NM_000391.4 (MANE Select); coding-DNA position 1496, C replaced by G.
Protein change: p.Pro499Arg; replaces proline 499 with arginine.
Molecular consequence: missense variant.
Genome position (GRCh38, 1-based): chr11:6,614,921, G>C on the plus strand (C>G on the coding strand, the complement: TPP1 is on the minus strand). VCF-style: chr11-6614921-G-C. GRCh37 (hg19) VCF-style: chr11-6636152-G-C.
Other names: short protein forms P499R.
Identifiers: ClinVar variation 457943 (VCV000457943.8), dbSNP rs773707856, ClinGen allele CA5858629.
Genomic context (GRCh38, chr11:6,614,921, plus strand): 5'-CTTACATCAAAGAGTCCTGCCCCATGCTGCTGGTAGAGCCTTGGGTTGAGAAAGCCAAGA[G>C]GGGGGCGGCCACTAAGGATCCTGTGCTCATTGATCAAGGATAGGATCCCCCCAAACACTG-3'
Protein context (NP_000382.3, residues 489-509): NEHRILSGRP[Pro499Arg]LGFLNPRLYQ